The following is an entry in ClinVar:

NM_058216.3(RAD51C):c.1027-19T>C

Gene: RAD51C (RAD51 paralog C; plus strand). Cytogenetic location: 17q22.
Variant type: single nucleotide variant.
Coding change: c.1027-19T>C on transcript NM_058216.3 (MANE Select); 19 bases into the intron before coding-DNA position 1027, T replaced by C.
Molecular consequence: intron variant.
Genome position (GRCh38, 1-based): chr17:58,734,099, T>C. VCF-style: chr17-58734099-T-C. GRCh37 (hg19) VCF-style: chr17-56811460-T-C.
Identifiers: ClinVar variation 3903524 (VCV003903524.1).

ClinVar aggregate classification (germline): Likely benign (1 of 4 stars; one submission).

Conditions:
Breast-ovarian cancer, familial, susceptibility to, 3. Also called: RAD51C-Related Breast/Ovarian Cancer. Identifiers: Orphanet 145, MedGen C3150659, MONDO:0013253, OMIM 613399.

Submission:

Myriad Genetics, Inc.
Classification: Likely benign for Breast-ovarian cancer, familial, susceptibility to, 3. Last evaluated: 2025-02-19. Review status: criteria provided, single submitter. Criteria: Myriad Autosomal Dominant, Autosomal Recessive and X-Linked Classification Criteria (2023). Collection method: clinical testing. Allele origin: unknown.
Comment: This variant is considered likely benign. This variant is intronic and is not expected to impact mRNA splicing.